The following is an entry in ClinVar:

NM_006182.4(DDR2):c.1832G>A (p.Arg611Gln)

Gene: DDR2 (discoidin domain receptor tyrosine kinase 2; plus strand). Cytogenetic location: 1q23.3.
Variant type: single nucleotide variant.
Coding change: c.1832G>A on transcript NM_006182.4 (MANE Select); coding-DNA position 1832, G replaced by A.
Protein change: p.Arg611Gln; replaces arginine 611 with glutamine.
Molecular consequence: missense variant.
Genome position (GRCh38, 1-based): chr1:162,773,572, G>A. VCF-style: chr1-162773572-G-A. GRCh37 (hg19) VCF-style: chr1-162743362-G-A.
Other names: c.1832G>A, p.Arg611Gln (NM_001014796.3, NM_001354982.2, NM_001354983.2); short protein forms R611Q.
Identifiers: ClinVar variation 4781492 (VCV004781492.1).

ClinVar aggregate classification (germline): Uncertain significance (1 of 4 stars; one submission).

gnomAD v4.1: 4 of 1,613,856 alleles (0.00025%); highest among the groups gnomAD compares: African/African-American, 0.0013%; no homozygotes.

Submission:

Labcorp Genetics (formerly Invitae), Labcorp
Classification: Uncertain significance. Last evaluated: 2025-09-30. Review status: criteria provided, single submitter. Criteria: Invitae Variant Classification Sherloc (09022015). Collection method: clinical testing. Allele origin: germline.
Comment: This sequence change replaces arginine, which is basic and polar, with glutamine, which is neutral and polar, at codon 611 of the DDR2 protein (p.Arg611Gln). This variant is not present in population databases (gnomAD no frequency). This variant has not been reported in the literature in individuals affected with DDR2-related conditions. An algorithm developed to predict the effect of missense changes on protein structure and function (PolyPhen-2) suggests that this variant is likely to be disruptive. In summary, the available evidence is currently insufficient to determine the role of this variant in disease. Therefore, it has been classified as a Variant of Uncertain Significance.